The following is an entry in ClinVar:

ClinVar aggregate classification (germline): Benign/Likely benign. Review status: criteria provided, multiple submitters, no conflicts (2 of 4 stars). 3 submissions from 3 submitters: Benign (1); Likely benign (1). 1 of the submissions does not count toward it. Last evaluated 2025-12-06.

Conditions:
DNAH11-related disorder. Also called: DNAH11-related condition.
Primary ciliary dyskinesia. Also called: Ciliary dyskinesia. Identifiers: Orphanet 244, MedGen C0008780, MONDO:0016575, HP:0012265.

Allele frequency attached by ClinVar (database versions not stated): gnomAD exomes 0.00006 and 0.00015; ExAC 0.00022; ESP Exome Variant Server 0.00067; gnomAD 0.00072 and 0.00081; TOPMed 0.00082.
gnomAD v4.1: 209 of 1,610,808 alleles (0.013%); highest among the groups gnomAD compares: African/African-American, 0.24%; 1 homozygote.

Submissions (3):

Labcorp Genetics (formerly Invitae), Labcorp
Classification: Likely benign for Primary ciliary dyskinesia. Last evaluated: 2025-12-06. Review status: criteria provided, single submitter. Criteria: Invitae Variant Classification Sherloc (09022015). Collection method: clinical testing. Allele origin: germline.

Ambry Genetics
Classification: Benign for Primary ciliary dyskinesia. Last evaluated: 2024-02-20. Review status: criteria provided, single submitter. Criteria: Ambry Variant Classification Scheme 2023. Collection method: clinical testing. Allele origin: germline.

PreventionGenetics, part of Exact Sciences
Classification: Likely benign for DNAH11-related condition. Last evaluated: 2022-05-23. Review status: no assertion criteria provided. Collection method: clinical testing. Allele origin: germline. Not counted in ClinVar's aggregate classification.
Comment: This variant is classified as likely benign based on ACMG/AMP sequence variant interpretation guidelines (Richards et al. 2015 PMID: 25741868, with internal and published modifications).

NM_001277115.2(DNAH11):c.11374A>G (p.Ile3792Val)

Gene: DNAH11 (dynein axonemal heavy chain 11; plus strand). Cytogenetic location: 7p15.3.
Variant type: single nucleotide variant.
Coding change: c.11374A>G on transcript NM_001277115.2 (MANE Select); coding-DNA position 11374, A replaced by G.
Protein change: p.Ile3792Val; replaces isoleucine 3792 with valine.
Molecular consequence: missense variant.
Genome position (GRCh38, 1-based): chr7:21,864,535, A>G. VCF-style: chr7-21864535-A-G. GRCh37 (hg19) VCF-style: chr7-21904153-A-G.
Other names: short protein forms I3792V.
Identifiers: ClinVar variation 359678 (VCV000359678.20), dbSNP rs201700629, ClinGen allele CA4182733.
Genomic context (GRCh38, chr7:21,864,535, plus strand): 5'-TCCTGTGTGACGATTTTCATGTAAACCTAATAATCCTTTTCAATTTTGTCTACTCTCAAG[A>G]TTTTGTTGAGAAAGAAAGAGATAGACCCTCTTGAATTGGATTTCCTGCTTCGATTCACAG-3'
Protein context (NP_001264044.1, residues 3782-3802): LTFLSQMAFQ[Ile3792Val]LLRKKEIDPL